The following is an entry in ClinVar:

NM_007294.4(BRCA1):c.892A>G (p.Asn298Asp)

Gene: BRCA1 (BRCA1 DNA repair associated; minus strand). Cytogenetic location: 17q21.31.
Variant type: single nucleotide variant.
Coding change: c.892A>G on transcript NM_007294.4 (MANE Select); coding-DNA position 892, A replaced by G.
Protein change: p.Asn298Asp; replaces asparagine 298 with aspartic acid.
Molecular consequence: missense variant. On other transcripts: intron variant (137).
Genome position (GRCh38, 1-based): chr17:43,094,639, T>C on the plus strand (A>G on the coding strand, the complement: BRCA1 is on the minus strand). VCF-style: chr17-43094639-T-C. GRCh37 (hg19) VCF-style: chr17-41246656-T-C.
Other names: c.748A>G, p.Asn250Asp (NM_001407741.1, NM_001407742.1, NM_001407743.1 and 20 more transcripts); c.646+105A>G (NM_001408467.1, NM_001408459.1, NM_001408458.1 and 11 more transcripts); c.583+105A>G (NM_001408475.1); c.709+105A>G (NM_001408412.1, NM_001408409.1, NM_001408414.1 and 2 more transcripts); c.451+105A>G (NM_001408509.1, NM_001408508.1); c.574+105A>G (NM_001408491.1, NM_001408493.1, NM_001408490.1); c.460+1207A>G (NM_001408506.1, NM_001408507.1); c.577+105A>G (NM_001408481.1, NM_001408480.1, NM_001408492.1 and 9 more transcripts); and 40 more; short protein forms N130D, N170D, N171D, N186D, N187D, N209D, N210D, N227D.
Identifiers: ClinVar variation 4867699 (VCV004867699.1).

ClinVar aggregate classification (germline): Uncertain significance (1 of 4 stars; one submission).

Conditions:
Hereditary cancer-predisposing syndrome. Also called: Neoplastic Syndromes, Hereditary; Tumor predisposition; Hereditary Cancer Syndrome; Hereditary neoplastic syndrome. Identifiers: Orphanet 140162, MedGen C0027672, MeSH D009386, MONDO:0015356.

gnomAD v4.1: 3 of 1,614,214 alleles (0.00019%); highest among the groups gnomAD compares: Non-Finnish European, 0.00025%; no homozygotes.

Submission:

Ambry Genetics
Classification: Uncertain significance for Hereditary cancer-predisposing syndrome. Last evaluated: 2026-03-24. Review status: criteria provided, single submitter. Criteria: Ambry Variant Classification Scheme 2023. Collection method: clinical testing. Allele origin: germline.
Comment: The p.N298D variant (also known as c.892A>G), located in coding exon 9 of the BRCA1 gene, results from an A to G substitution at nucleotide position 892. The asparagine at codon 298 is replaced by aspartic acid, an amino acid with highly similar properties. This amino acid position is not well conserved in available vertebrate species. In addition, the in silico prediction for this alteration is inconclusive. Based on the available evidence, the clinical significance of this variant remains unclear.